The following is an entry in ClinVar:

ClinVar aggregate classification (germline): Uncertain significance (1 of 4 stars; one submission).

Allele frequency attached by ClinVar (database versions not stated): gnomAD exomes below 0.00001.
gnomAD v4.1: 1 of 1,347,268 alleles (0.000074%); highest among the groups gnomAD compares: South Asian, 0.0019%; no homozygotes.

Submission:

Labcorp Genetics (formerly Invitae), Labcorp
Classification: Uncertain significance. Last evaluated: 2024-01-14. Review status: criteria provided, single submitter. Criteria: Invitae Variant Classification Sherloc (09022015). Collection method: clinical testing. Allele origin: germline.
Comment: This sequence change replaces valine, which is neutral and non-polar, with aspartic acid, which is acidic and polar, at codon 506 of the MAGEL2 protein (p.Val506Asp). This variant is not present in population databases (gnomAD no frequency). This variant has not been reported in the literature in individuals affected with MAGEL2-related conditions. Advanced modeling of protein sequence and biophysical properties (such as structural, functional, and spatial information, amino acid conservation, physicochemical variation, residue mobility, and thermodynamic stability) performed at Invitae indicates that this missense variant is not expected to disrupt MAGEL2 protein function with a negative predictive value of 80%. In summary, the available evidence is currently insufficient to determine the role of this variant in disease. Therefore, it has been classified as a Variant of Uncertain Significance.

NM_019066.5(MAGEL2):c.1517T>A (p.Val506Asp)

Gene: MAGEL2 (MAGE family member L2; minus strand). Cytogenetic location: 15q11.2.
Variant type: single nucleotide variant.
Coding change: c.1517T>A on transcript NM_019066.5 (MANE Select); coding-DNA position 1517, T replaced by A.
Protein change: p.Val506Asp; replaces valine 506 with aspartic acid.
Molecular consequence: missense variant.
Genome position (GRCh38, 1-based): chr15:23,646,226, A>T on the plus strand (T>A on the coding strand, the complement: MAGEL2 is on the minus strand). VCF-style: chr15-23646226-A-T. GRCh37 (hg19) VCF-style: chr15-23891373-A-T.
Other names: short protein forms V506D.
Identifiers: ClinVar variation 2750696 (VCV002750696.3), dbSNP rs1455413040, ClinGen allele CA391333880.